The following is an entry in ClinVar:

ClinVar aggregate classification (germline): Pathogenic (1 of 4 stars; one submission).

Conditions:
Autosomal recessive limb-girdle muscular dystrophy type 2C (LGMDR5). Also called: MUSCULAR DYSTROPHY, LIMB-GIRDLE, AUTOSOMAL RECESSIVE 5; MUSCULAR DYSTROPHY, DUCHENNE-LIKE. Identifiers: Orphanet 353, MedGen C0410173, MONDO:0009677, OMIM 253700. Disease mechanism: Affects gamma-sarcoglycan and also disrupts the integrity of the entire sarcoglycan complex..

Submission:

Labcorp Genetics (formerly Invitae), Labcorp
Classification: Pathogenic for Autosomal recessive limb-girdle muscular dystrophy type 2C. Last evaluated: 2022-10-19. Review status: criteria provided, single submitter. Criteria: Invitae Variant Classification Sherloc (09022015). Collection method: clinical testing. Allele origin: germline.
Comment: This variant is a gross deletion of the genomic region encompassing exon(s) 8 of the SGCG gene, which includes the termination codon. This deletion extends beyond the assayed region for this gene and therefore may encompass additional genes. While this deletion is not anticipated to lead to nonsense mediated decay, it is expected to alter mRNA translation or result in a truncated protein product. A similar copy number variant has been observed in individual(s) with SGCG-related conditions (PMID: 18285821). This variant disrupts a region of the SGCG protein in which other variant(s) (p.Thr251Serfs*29) have been determined to be pathogenic (Invitae). This suggests that this is a clinically significant region of the protein, and that variants that disrupt it are likely to be disease-causing. For these reasons, this variant has been classified as Pathogenic.

Literature cited by the submitters: PubMed 18285821.

NC_000013.10:g.(?_23898487)_(24463459_?)del

Genes: PCOTH (prostate and testis expressed opposite C1QTNF9B and MIPEP; plus strand), SACS (sacsin molecular chaperone; minus strand), SGCG (sarcoglycan gamma; plus strand), MIPEP (mitochondrial intermediate peptidase; minus strand), TNFRSF19 (TNF receptor superfamily member 19; plus strand). Cytogenetic location: 13q12.12.
Variant type: Deletion.
Identifiers: ClinVar variation 2422612 (VCV002422612.5).